The following is an entry in ClinVar:

NM_001199138.2(NLRC4):c.2231A>G (p.His744Arg)

Gene: NLRC4 (NLR family CARD domain containing 4; minus strand). Cytogenetic location: 2p22.3.
Variant type: single nucleotide variant.
Coding change: c.2231A>G on transcript NM_001199138.2 (MANE Select); coding-DNA position 2231, A replaced by G.
Protein change: p.His744Arg; replaces histidine 744 with arginine.
Molecular consequence: missense variant. On other transcripts: intron variant (1).
Genome position (GRCh38, 1-based): chr2:32,249,633, T>C on the plus strand (A>G on the coding strand, the complement: NLRC4 is on the minus strand). VCF-style: chr2-32249633-T-C. GRCh37 (hg19) VCF-style: chr2-32474702-T-C.
Other names: c.2231A>G, p.His744Arg (NM_001199139.2, NM_021209.5); c.262+2786A>G (NM_001302504.1); short protein forms H744R.
Identifiers: ClinVar variation 1713350 (VCV001713350.5), dbSNP rs2466756203, ClinGen allele CA346510627.

ClinVar aggregate classification (germline): Uncertain significance (1 of 4 stars; one submission).

Conditions:
Familial cold autoinflammatory syndrome 4 (FCAS4). Identifiers: Orphanet 47045, Orphanet 576349, MedGen C4015276, MONDO:0014498, OMIM 616115.
Periodic fever-infantile enterocolitis-autoinflammatory syndrome. Also called: Autoinflammation with infantile enterocolitis. Identifiers: Orphanet 436166, MedGen C4015067, MONDO:0014472, OMIM 616050.

Allele frequency attached by ClinVar (database versions not stated): gnomAD exomes below 0.00001.
gnomAD v4.1: 1 of 1,607,164 alleles (0.000062%); highest among the groups gnomAD compares: Non-Finnish European, 0.000085%; no homozygotes.

Submission:

Labcorp Genetics (formerly Invitae), Labcorp
Classification: Uncertain significance for Periodic fever-infantile enterocolitis-autoinflammatory syndrome; Familial cold autoinflammatory syndrome 4. Last evaluated: 2022-07-22. Review status: criteria provided, single submitter. Criteria: Invitae Variant Classification Sherloc (09022015). Collection method: clinical testing. Allele origin: germline.
Comment: In summary, the available evidence is currently insufficient to determine the role of this variant in disease. Therefore, it has been classified as a Variant of Uncertain Significance. Algorithms developed to predict the effect of missense changes on protein structure and function (SIFT, PolyPhen-2, Align-GVGD) all suggest that this variant is likely to be tolerated. This variant has not been reported in the literature in individuals affected with NLRC4-related conditions. This variant is not present in population databases (gnomAD no frequency). This sequence change replaces histidine, which is basic and polar, with arginine, which is basic and polar, at codon 744 of the NLRC4 protein (p.His744Arg).